The following is an entry in ClinVar:

ClinVar aggregate classification (germline): Uncertain significance (1 of 4 stars; one submission).

Conditions:
Early-infantile DEE. Also called: Early infantile epileptic encephalopathy with suppression bursts; Early infantile epileptic encephalopathy; Ohtahara syndrome. Identifiers: Orphanet 1934, MedGen C0393706, MONDO:0800491.

Allele frequency attached by ClinVar (database versions not stated): ExAC 0.00001; gnomAD 0.00001; TOPMed 0.00002; ESP Exome Variant Server 0.00015.
gnomAD v4.1: 9 of 1,610,556 alleles (0.00056%); highest among the groups gnomAD compares: African/African-American, 0.0027%; no homozygotes.

Submission:

Labcorp Genetics (formerly Invitae), Labcorp
Classification: Uncertain significance for Early-infantile DEE. Last evaluated: 2023-02-11. Review status: criteria provided, single submitter. Criteria: Invitae Variant Classification Sherloc (09022015). Collection method: clinical testing. Allele origin: germline.
Comment: This variant has not been reported in the literature in individuals affected with KCNQ2-related conditions. The frequency data for this variant in the population databases is considered unreliable, as metrics indicate poor data quality at this position in the gnomAD database. This sequence change replaces valine, which is neutral and non-polar, with methionine, which is neutral and non-polar, at codon 593 of the KCNQ2 protein (p.Val593Met). ClinVar contains an entry for this variant (Variation ID: 934644). In summary, the available evidence is currently insufficient to determine the role of this variant in disease. Therefore, it has been classified as a Variant of Uncertain Significance. Algorithms developed to predict the effect of missense changes on protein structure and function are either unavailable or do not agree on the potential impact of this missense change (SIFT: "Deleterious"; PolyPhen-2: "Probably Damaging"; Align-GVGD: "Class C0").

NM_172107.4(KCNQ2):c.1777G>A (p.Val593Met)

Gene: KCNQ2 (potassium voltage-gated channel subfamily Q member 2; minus strand). Cytogenetic location: 20q13.33.
Variant type: single nucleotide variant.
Coding change: c.1777G>A on transcript NM_172107.4 (MANE Select); coding-DNA position 1777, G replaced by A.
Protein change: p.Val593Met; replaces valine 593 with methionine.
Molecular consequence: missense variant.
Genome position (GRCh38, 1-based): chr20:63,408,523, C>T on the plus strand (G>A on the coding strand, the complement: KCNQ2 is on the minus strand). VCF-style: chr20-63408523-C-T. GRCh37 (hg19) VCF-style: chr20-62039876-C-T.
Other names: c.1831G>A, p.Val611Met (NM_001382235.1); c.1693G>A, p.Val565Met (NM_004518.6); c.1723G>A, p.Val575Met (NM_172106.3); c.1684G>A, p.Val562Met (NM_172108.5); short protein forms V565M, V593M, V611M, V562M, V575M.
Identifiers: ClinVar variation 934644 (VCV000934644.8), dbSNP rs372976131, ClinGen allele CA9958244.